The following is an entry in ClinVar:

ClinVar aggregate classification (germline): Uncertain significance. Review status: criteria provided, multiple submitters, no conflicts (2 of 4 stars). 3 submissions from 3 submitters: Uncertain significance (3). Last evaluated 2024-11-11.

Conditions:
Inborn genetic diseases. Identifiers: MedGen C0950123, MeSH D030342.

Allele frequency attached by ClinVar (database versions not stated): gnomAD exomes 0.00001 and 0.00005; gnomAD 0.00003 and 0.00004; TOPMed 0.00003.
gnomAD v4.1: 75 of 1,551,288 alleles (0.0048%); highest among the groups gnomAD compares: Non-Finnish European, 0.0055%; no homozygotes.

Submissions (3):

Ambry Genetics
Classification: Uncertain significance for Inborn genetic diseases. Last evaluated: 2024-11-11. Review status: criteria provided, single submitter. Criteria: Ambry Variant Classification Scheme 2023. Collection method: clinical testing. Allele origin: germline.

Blueprint Genetics
Classification: Uncertain significance. Last evaluated: 2023-12-19. Review status: criteria provided, single submitter. Criteria: ACMG Guidelines, 2015. Collection method: clinical testing. Allele origin: germline.

Labcorp Genetics (formerly Invitae), Labcorp
Classification: Uncertain significance. Last evaluated: 2022-08-16. Review status: criteria provided, single submitter. Criteria: Invitae Variant Classification Sherloc (09022015). Collection method: clinical testing. Allele origin: germline.
Comment: This sequence change replaces glutamic acid, which is acidic and polar, with lysine, which is basic and polar, at codon 138 of the CDHR1 protein (p.Glu138Lys). This variant is present in population databases (rs370668772, gnomAD 0.006%). This variant has not been reported in the literature in individuals affected with CDHR1-related conditions. ClinVar contains an entry for this variant (Variation ID: 1463148). Advanced modeling of protein sequence and biophysical properties (such as structural, functional, and spatial information, amino acid conservation, physicochemical variation, residue mobility, and thermodynamic stability) performed at Invitae indicates that this missense variant is not expected to disrupt CDHR1 protein function. In summary, the available evidence is currently insufficient to determine the role of this variant in disease. Therefore, it has been classified as a Variant of Uncertain Significance.

NM_033100.4(CDHR1):c.412G>A (p.Glu138Lys)

Gene: CDHR1 (cadherin related family member 1; plus strand). Cytogenetic location: 10q23.1.
Variant type: single nucleotide variant.
Coding change: c.412G>A on transcript NM_033100.4 (MANE Select); coding-DNA position 412, G replaced by A.
Protein change: p.Glu138Lys; replaces glutamic acid 138 with lysine.
Molecular consequence: missense variant.
Genome position (GRCh38, 1-based): chr10:84,199,095, G>A. VCF-style: chr10-84199095-G-A. GRCh37 (hg19) VCF-style: chr10-85958851-G-A.
Other names: c.412G>A (NM_033100.2); c.412G>A, p.Glu138Lys (NM_001171971.3); short protein forms E138K.
Identifiers: ClinVar variation 1463148 (VCV001463148.8), dbSNP rs370668772, ClinGen allele CA210378933.